The following is an entry in ClinVar:

ClinVar aggregate classification (germline): Uncertain significance (1 of 4 stars; one submission).

Conditions:
Hepatic veno-occlusive disease-immunodeficiency syndrome. Also called: Hepatic Veno-Occlusive Disease with Immunodeficiency. Identifiers: Orphanet 79124, MedGen C1856128, MONDO:0009338, OMIM 235550. Disease mechanism: loss of function.

Allele frequency attached by ClinVar (database versions not stated): gnomAD 0.00001; TOPMed 0.00001.
gnomAD v4.1: 6 of 1,613,922 alleles (0.00037%); highest among the groups gnomAD compares: South Asian, 0.0011%; no homozygotes.

Submission:

Labcorp Genetics (formerly Invitae), Labcorp
Classification: Uncertain significance for Hepatic veno-occlusive disease-immunodeficiency syndrome. Last evaluated: 2022-02-11. Review status: criteria provided, single submitter. Criteria: Invitae Variant Classification Sherloc (09022015). Collection method: clinical testing. Allele origin: germline.
Comment: In summary, the available evidence is currently insufficient to determine the role of this variant in disease. Therefore, it has been classified as a Variant of Uncertain Significance. ClinVar contains an entry for this variant (Variation ID: 1060355). Algorithms developed to predict the effect of missense changes on protein structure and function output the following: SIFT: "Tolerated"; PolyPhen-2: "Benign"; Align-GVGD: "Class C0". The leucine amino acid residue is found in multiple mammalian species, which suggests that this missense change does not adversely affect protein function. This sequence change replaces proline, which is neutral and non-polar, with leucine, which is neutral and non-polar, at codon 136 of the SP110 protein (p.Pro136Leu). This variant is present in population databases (rs768753285, gnomAD 0.003%). This variant has not been reported in the literature in individuals affected with SP110-related conditions.

NM_080424.4(SP110):c.407C>T (p.Pro136Leu)

Genes: SP110 (SP110 nuclear body protein; minus strand), SP140 (SP140 nuclear body protein; plus strand). Cytogenetic location: 2q37.1.
Variant type: single nucleotide variant.
Coding change: c.407C>T on transcript NM_080424.4 (MANE Select); coding-DNA position 407, C replaced by T.
Protein change: p.Pro136Leu; replaces proline 136 with leucine.
Molecular consequence: missense variant.
Genome position (GRCh38, 1-based): chr2:230,212,937, G>A on the plus strand (C>T on the coding strand, the complement: SP110 is on the minus strand). VCF-style: chr2-230212937-G-A. GRCh37 (hg19) VCF-style: chr2-231077652-G-A.
Other names: c.425C>T, p.Pro142Leu (NM_001185015.2, NM_001378442.1, NM_001378444.1 and 2 more transcripts); c.407C>T, p.Pro136Leu (NM_001378443.1, NM_001378447.1, NM_004509.5 and 1 more transcripts); short protein forms P136L, P142L.
Identifiers: ClinVar variation 1060355 (VCV001060355.9), dbSNP rs768753285, ClinGen allele CA2154837.
Genomic context (GRCh38, chr2:230,212,937, plus strand): 5'-ACTCTTGGCGCACAGGGTGAACAGCTTGGTTGAGGGGGTTGTGGTGGGGGCAGCGCCAGT[G>A]GGGTATGGAGGGAGCTTCCTTCTGCTAGGCCAGTTGGGGCTTCAAGTAGGATTGGTGTGT-3'
Protein context (NP_536349.3, residues 126-146): GLAEGSSLHT[Pro136Leu]LALPPPQPPQ